The following is an entry in ClinVar:

NM_006005.3(WFS1):c.239C>T (p.Thr80Ile)

Gene: WFS1 (wolframin ER transmembrane glycoprotein; plus strand). Cytogenetic location: 4p16.1.
Variant type: single nucleotide variant.
Coding change: c.239C>T on transcript NM_006005.3 (MANE Select); coding-DNA position 239, C replaced by T.
Protein change: p.Thr80Ile; replaces threonine 80 with isoleucine.
Molecular consequence: missense variant.
Genome position (GRCh38, 1-based): chr4:6,287,099, C>T. VCF-style: chr4-6287099-C-T. GRCh37 (hg19) VCF-style: chr4-6288826-C-T.
Other names: c.239C>T, p.Thr80Ile (NM_001145853.1); short protein forms T80I.
Identifiers: ClinVar variation 1697081 (VCV001697081.4), dbSNP rs2109113876, ClinGen allele CA356170795.

ClinVar aggregate classification (germline): Uncertain significance. Review status: criteria provided, multiple submitters, no conflicts (2 of 4 stars). 2 submissions from 2 submitters: Uncertain significance (2). Last evaluated 2024-05-15.

Submissions (2):

Labcorp Genetics (formerly Invitae), Labcorp
Classification: Uncertain significance. Last evaluated: 2024-05-15. Review status: criteria provided, single submitter. Criteria: Invitae Variant Classification Sherloc (09022015). Collection method: clinical testing. Allele origin: germline.
Comment: This sequence change replaces threonine, which is neutral and polar, with isoleucine, which is neutral and non-polar, at codon 80 of the WFS1 protein (p.Thr80Ile). This variant is not present in population databases (gnomAD no frequency). This variant has not been reported in the literature in individuals affected with WFS1-related conditions. ClinVar contains an entry for this variant (Variation ID: 1697081). Advanced modeling of protein sequence and biophysical properties (such as structural, functional, and spatial information, amino acid conservation, physicochemical variation, residue mobility, and thermodynamic stability) performed at Invitae indicates that this missense variant is not expected to disrupt WFS1 protein function with a negative predictive value of 95%. In summary, the available evidence is currently insufficient to determine the role of this variant in disease. Therefore, it has been classified as a Variant of Uncertain Significance.

GeneDx
Classification: Uncertain significance. Last evaluated: 2022-01-18. Review status: criteria provided, single submitter. Criteria: GeneDx Variant Classification Process June 2021. Collection method: clinical testing. Allele origin: germline. Affected: yes.
Comment: Not observed at significant frequency in large population cohorts (gnomAD); In silico analysis supports that this missense variant does not alter protein structure/function; Has not been previously published as pathogenic or benign to our knowledge